The following is an entry in ClinVar:

ClinVar aggregate classification (germline): Uncertain significance (1 of 4 stars; one submission).

Submission:

Labcorp Genetics (formerly Invitae), Labcorp
Classification: Uncertain significance. Last evaluated: 2022-06-13. Review status: criteria provided, single submitter. Criteria: Invitae Variant Classification Sherloc (09022015). Collection method: clinical testing. Allele origin: germline.
Comment: In summary, the available evidence is currently insufficient to determine the role of this variant in disease. Therefore, it has been classified as a Variant of Uncertain Significance. Algorithms developed to predict the effect of missense changes on protein structure and function (SIFT, PolyPhen-2, Align-GVGD) all suggest that this variant is likely to be tolerated. This variant has not been reported in the literature in individuals affected with P4HB-related conditions. This variant is not present in population databases (gnomAD no frequency). This sequence change replaces lysine, which is basic and polar, with glutamic acid, which is acidic and polar, at codon 366 of the P4HB protein (p.Lys366Glu).

NM_000918.4(P4HB):c.1096A>G (p.Lys366Glu)

Gene: P4HB (prolyl 4-hydroxylase subunit beta; minus strand). Cytogenetic location: 17q25.3.
Variant type: single nucleotide variant.
Coding change: c.1096A>G on transcript NM_000918.4 (MANE Select); coding-DNA position 1096, A replaced by G.
Protein change: p.Lys366Glu; replaces lysine 366 with glutamic acid.
Molecular consequence: missense variant.
Genome position (GRCh38, 1-based): chr17:81,845,952, T>C on the plus strand (A>G on the coding strand, the complement: P4HB is on the minus strand). VCF-style: chr17-81845952-T-C. GRCh37 (hg19) VCF-style: chr17-79803828-T-C.
Other names: short protein forms K366E.
Identifiers: ClinVar variation 2005466 (VCV002005466.4), dbSNP rs2509950300, ClinGen allele CA401507501.